The following is an entry in ClinVar:

NM_003721.4(RFXANK):c.271_271+1insCTGCC

Gene: RFXANK (regulatory factor X associated ankyrin containing protein; plus strand). Cytogenetic location: 19p13.11.
Variant type: Insertion.
Coding change: c.271_271+1insCTGCC on transcript NM_003721.4 (MANE Select); coding-DNA position 271 through the canonical splice donor site of the intron after coding-DNA position 271, CTGCC inserted.
Molecular consequence: splice donor variant.
Genome position: GRCh38 VCF-style: chr19-19197046-T-TCTGCC. GRCh37 (hg19) VCF-style: chr19-19307855-T-TCTGCC.
Other names: c.271_271+1insCTGCC (NM_001278727.2, NM_001370238.1, NM_001370233.1 and 1 more transcripts); c.268_268+1insCTGCC (NM_134440.3, NM_001370235.1, NM_001370237.1 and 2 more transcripts).
Identifiers: ClinVar variation 573785 (VCV000573785.6), dbSNP rs1568578781, ClinGen allele CA891843804.

ClinVar aggregate classification (germline): Pathogenic (1 of 4 stars; one submission).

Conditions:
MHC class II deficiency. Also called: Bare lymphocyte syndrome 2; BLS, TYPE II. Identifiers: Orphanet 572, MedGen C5447452, MONDO:0008855.

Allele frequency attached by ClinVar (database versions not stated): gnomAD exomes below 0.00001.

Submission:

Labcorp Genetics (formerly Invitae), Labcorp
Classification: Pathogenic for MHC class II deficiency. Last evaluated: 2018-05-13. Review status: criteria provided, single submitter. Criteria: Invitae Variant Classification Sherloc (09022015). Collection method: clinical testing. Allele origin: germline.
Comment: For these reasons, this variant has been classified as Pathogenic. Loss-of-function variants in RFXANK are known to be pathogenic (PMID: 10803838, 16166641, 21908431). This variant has not been reported in the literature in individuals with RFXANK-related disease. This variant is not present in population databases (ExAC no frequency). This sequence change creates a premature translational stop signal (p.Leu92Alafs*17) in the RFXANK gene. It is expected to result in an absent or disrupted protein product.

Literature cited by the submitters: PubMed 10803838; PubMed 16166641; PubMed 21908431.